The following is an entry in ClinVar:

NM_003737.4(DCHS1):c.4291G>A (p.Glu1431Lys)

Gene: DCHS1 (dachsous cadherin-related 1; minus strand). Cytogenetic location: 11p15.4.
Variant type: single nucleotide variant.
Coding change: c.4291G>A on transcript NM_003737.4 (MANE Select); coding-DNA position 4291, G replaced by A.
Protein change: p.Glu1431Lys; replaces glutamic acid 1431 with lysine.
Molecular consequence: missense variant.
Genome position (GRCh38, 1-based): chr11:6,630,503, C>T on the plus strand (G>A on the coding strand, the complement: DCHS1 is on the minus strand). VCF-style: chr11-6630503-C-T. GRCh37 (hg19) VCF-style: chr11-6651734-C-T.
Other names: short protein forms E1431K.
Identifiers: ClinVar variation 4779086 (VCV004779086.1).

ClinVar aggregate classification (germline): Uncertain significance (1 of 4 stars; one submission).

Submission:

Labcorp Genetics (formerly Invitae), Labcorp
Classification: Uncertain significance. Last evaluated: 2025-06-30. Review status: criteria provided, single submitter. Criteria: Invitae Variant Classification Sherloc (09022015). Collection method: clinical testing. Allele origin: germline.
Comment: This sequence change replaces glutamic acid, which is acidic and polar, with lysine, which is basic and polar, at codon 1431 of the DCHS1 protein (p.Glu1431Lys). This variant is not present in population databases (gnomAD no frequency). This variant has not been reported in the literature in individuals affected with DCHS1-related conditions. Invitae Evidence Modeling of protein sequence and biophysical properties (such as structural, functional, and spatial information, amino acid conservation, physicochemical variation, residue mobility, and thermodynamic stability) has been performed for this missense variant. However, the output from this modeling did not meet the statistical confidence thresholds required to predict the impact of this variant on DCHS1 protein function. In summary, the available evidence is currently insufficient to determine the role of this variant in disease. Therefore, it has been classified as a Variant of Uncertain Significance.